The following is an entry in ClinVar:

ClinVar aggregate classification (germline): Benign (1 of 4 stars; one submission).

Submission:

Unidad de Genómica Garrahan, Hospital de Pediatría Garrahan
Classification: Benign. Last evaluated: 2023-11-14. Review status: criteria provided, single submitter. Criteria: ACMG Guidelines, 2015. Collection method: clinical testing. Allele origin: germline. Affected: no. Observed: 28 variant alleles.
Comment: This variant is classified as Benign based on local population frequency. This variant was detected in 29% of patients studied by a panel of primary immunodeficiencies. Number of patients: 28. Only high quality variants are reported.

NM_014314.4(RIGI):c.2482-80_2482-76dup

Gene: RIGI (RNA sensor RIG-I; minus strand). Cytogenetic location: 9p21.1.
Variant type: Duplication.
Coding change: c.2482-80_2482-76dup on transcript NM_014314.4 (MANE Select); 80 bases into the intron before coding-DNA position 2482 through 76 bases into the intron before coding-DNA position 2482, 5 bases duplicated (CTTTT; older notation c.2482-80_2482-76dupCTTTT).
Molecular consequence: intron variant.
Genome position (GRCh38, 1-based): chr9:32,457,494-32,457,498, AAAAG duplicated on the plus strand (CTTTT on the coding strand, the reverse complement: RIGI is on the minus strand); duplicating any 5 consecutive bases within chr9:32,457,494-32,457,502 gives the same sequence; the c. name uses the placement nearest the transcript's 3' end. VCF-style (leftmost placement, unchanged base first): chr9-32457493-A-AAAAAG. GRCh37 (hg19) VCF-style: chr9-32457491-A-AAAAAG.
Other names: c.1873-80_1873-76dup (NM_001385912.1); c.2467-80_2467-76dup (NM_001385913.1); c.2476-80_2476-76dup (NM_001385907.1); c.2311-80_2311-76dup (NM_001385909.1); c.2038-80_2038-76dup (NM_001385914.1); c.2041-80_2041-76dup (NM_001385910.1).
Identifiers: ClinVar variation 2637884 (VCV002637884.2), dbSNP rs5897507, ClinGen allele CA192350509.
Genomic context (GRCh38, chr9:32,457,493, plus strand): 5'-ATGGAATAACACACAAAAGAGAACGTTAGAACCAGTACATAATTGTGATTTAAAAAAAAA[A>AAAAAG]AAAAGAAAACCCCACAATAATCTGAGGCAAAGAACAGGTGGGTCTCACTTATTTTACAAT-3'